The following is an entry in ClinVar:

NM_004006.3(DMD):c.3677C>G (p.Ala1226Gly)

Gene: DMD (dystrophin; minus strand). Cytogenetic location: Xp21.1.
Variant type: single nucleotide variant.
Coding change: c.3677C>G on transcript NM_004006.3 (MANE Select); coding-DNA position 3677, C replaced by G.
Protein change: p.Ala1226Gly; replaces alanine 1226 with glycine.
Molecular consequence: missense variant.
Genome position (GRCh38, 1-based): chrX:32,448,565, G>C on the plus strand (C>G on the coding strand, the complement: DMD is on the minus strand). VCF-style: chrX-32448565-G-C. GRCh37 (hg19) VCF-style: chrX-32466682-G-C.
Other names: c.3653C>G, p.Ala1218Gly (NM_000109.4); c.3665C>G, p.Ala1222Gly (NM_004009.3); c.3308C>G, p.Ala1103Gly (NM_004010.3); c.3677C>G (NM_004006.2); short protein forms A1103G, A1218G, A1222G, A1226G.
Identifiers: ClinVar variation 1018171 (VCV001018171.8), dbSNP rs752521629, ClinGen allele CA10379208.
Genomic context (GRCh38, chrX:32,448,565, plus strand): 5'-TTGGTGGTTAGAGTTTCAAGTTCCTTTTTTAAGGCCTCTTGTGCTACAGGTGGAGCTTGA[G>C]CTATGACACTATTTACAGACTCAGTAAGGAGTTTCACTTTCGCTTCTTTTTGTTGGGCCT-3'
Protein context (NP_003997.2, residues 1216-1236): LLTESVNSVI[Ala1226Gly]QAPPVAQEAL

ClinVar aggregate classification (germline): Conflicting classifications of pathogenicity. Review status: criteria provided, conflicting classifications (1 of 4 stars). 3 submissions from 3 submitters: Uncertain significance (1); Likely benign (1). 1 of the submissions does not count toward it. Last evaluated 2024-06-20.

Conditions:
Cardiovascular phenotype. Identifiers: MedGen CN230736.
Duchenne muscular dystrophy (DMD). Also called: MUSCULAR DYSTROPHY, PSEUDOHYPERTROPHIC PROGRESSIVE, DUCHENNE TYPE; Duchenne Muscular Dystrophy (DMD). Identifiers: Orphanet 98896, MedGen C0013264, MONDO:0010679, OMIM 310200.
Dystrophin deficiency.
Becker muscular dystrophy (BMD). Also called: MUSCULAR DYSTROPHY, PSEUDOHYPERTROPHIC PROGRESSIVE, BECKER TYPE; Becker Muscular Dystrophy (BMD). Identifiers: Orphanet 98895, MedGen C0917713, MONDO:0010311, OMIM 300376.
Cardiomyopathy (CMYO). Also called: Cardiomyopathies. Identifiers: Orphanet 167848, MedGen C0878544, MONDO:0004994, HP:0001638. Inheritance: Various modes of inheritance.

Allele frequency attached by ClinVar (database versions not stated): ExAC 0.00001; gnomAD exomes 0.00001 and 0.00002; TOPMed 0.00005.
gnomAD v4.1: 8 of 1,208,630 alleles (0.00066%); highest among the groups gnomAD compares: African/African-American, 0.012%; no homozygotes.

Submissions (3):

Labcorp Genetics (formerly Invitae), Labcorp
Classification: Uncertain significance for Duchenne muscular dystrophy. Last evaluated: 2024-06-20. Review status: criteria provided, single submitter. Criteria: Invitae Variant Classification Sherloc (09022015). Collection method: clinical testing. Allele origin: germline.
Comment: This sequence change replaces alanine, which is neutral and non-polar, with glycine, which is neutral and non-polar, at codon 1226 of the DMD protein (p.Ala1226Gly). This variant is present in population databases (rs752521629, gnomAD 0.02%). This variant has not been reported in the literature in individuals affected with DMD-related conditions. ClinVar contains an entry for this variant (Variation ID: 1018171). Advanced modeling of protein sequence and biophysical properties (such as structural, functional, and spatial information, amino acid conservation, physicochemical variation, residue mobility, and thermodynamic stability) performed at Invitae indicates that this missense variant is not expected to disrupt DMD protein function with a negative predictive value of 95%. In summary, the available evidence is currently insufficient to determine the role of this variant in disease. Therefore, it has been classified as a Variant of Uncertain Significance.

Ambry Genetics
Classification: Likely benign for Cardiovascular phenotype. Last evaluated: 2024-01-26. Review status: criteria provided, single submitter. Criteria: Ambry Variant Classification Scheme 2023. Collection method: clinical testing. Allele origin: germline.

Natera, Inc.
Classification: Uncertain significance for Becker muscular dystrophy; Cardiomyopathy; Duchenne muscular dystrophy; Dystrophin deficiency. Last evaluated: 2018-07-24. Review status: no assertion criteria provided. Collection method: clinical testing. Allele origin: germline. Not counted in ClinVar's aggregate classification.